The following is an entry in ClinVar:

NM_015909.4(NBAS):c.5079del (p.Arg1692_Tyr1693insTer)

Gene: NBAS (NBAS subunit of NRZ tethering complex; minus strand). Cytogenetic location: 2p24.3.
Variant type: Deletion.
Coding change: c.5079del on transcript NM_015909.4 (MANE Select); coding-DNA position 5079, one base deleted (C; older notation c.5079delC).
Protein change: p.Arg1692_Tyr1693insTer.
Molecular consequence: nonsense. On other transcripts: non-coding transcript variant (1).
Genome position (GRCh38, 1-based): chr2:15,287,132, G deleted on the plus strand (C on the coding strand, the reverse complement: NBAS is on the minus strand). VCF-style (leftmost placement, unchanged base first): chr2-15287131-TG-T. GRCh37 (hg19) VCF-style: chr2-15427255-TG-T.
Identifiers: ClinVar variation 2702686 (VCV002702686.3), dbSNP rs2528175079, ClinGen allele CA2697547823.

ClinVar aggregate classification (germline): Pathogenic (1 of 4 stars; one submission).

Submission:

Labcorp Genetics (formerly Invitae), Labcorp
Classification: Pathogenic. Last evaluated: 2023-12-13. Review status: criteria provided, single submitter. Criteria: Invitae Variant Classification Sherloc (09022015). Collection method: clinical testing. Allele origin: germline.
Comment: This sequence change creates a premature translational stop signal (p.Tyr1693*) in the NBAS gene. It is expected to result in an absent or disrupted protein product. Loss-of-function variants in NBAS are known to be pathogenic (PMID: 26073778, 26541327, 27789416, 28031453). This variant is not present in population databases (gnomAD no frequency). This variant has not been reported in the literature in individuals affected with NBAS-related conditions. For these reasons, this variant has been classified as Pathogenic.

Literature cited by the submitters: PubMed 26073778; PubMed 26541327; PubMed 27789416; PubMed 28031453.